The following is an entry in ClinVar:

NM_130839.5(UBE3A):c.2464A>T (p.Met822Leu)

Genes: SNHG14 (small nucleolar RNA host gene 14; plus strand), UBE3A (ubiquitin protein ligase E3A; minus strand). Cytogenetic location: 15q11.2.
Variant type: single nucleotide variant.
Coding change: c.2464A>T on transcript NM_130839.5 (MANE Select); coding-DNA position 2464, A replaced by T.
Protein change: p.Met822Leu; replaces methionine 822 with leucine.
Molecular consequence: missense variant. On other transcripts: non-coding transcript variant (1).
Genome position (GRCh38, 1-based): chr15:25,340,119, T>A on the plus strand (A>T on the coding strand, the complement: UBE3A is on the minus strand). VCF-style: chr15-25340119-T-A. GRCh37 (hg19) VCF-style: chr15-25585266-T-A.
Other names: c.2473A>T, p.Met825Leu (NM_000462.5); c.2464A>T, p.Met822Leu (NM_001354505.1, NM_001354538.2); c.2404A>T, p.Met802Leu (NM_001354506.2, NM_001354507.2, NM_001354508.2 and 14 more transcripts); c.2308A>T, p.Met770Leu (NM_001354545.2); c.2287A>T, p.Met763Leu (NM_001354546.2); c.2248A>T, p.Met750Leu (NM_001354547.2, NM_001354548.2); c.2239A>T, p.Met747Leu (NM_001354549.2); c.1213A>T, p.Met405Leu (NM_001354550.2); and 1 more; short protein forms M750L, M770L, M825L, M405L, M763L, M822L, M802L, M385L.
Identifiers: ClinVar variation 2175282 (VCV002175282.7), dbSNP rs1218040975, ClinGen allele CA391351010.

ClinVar aggregate classification (germline): Uncertain significance. Review status: criteria provided, multiple submitters, no conflicts (2 of 4 stars). 2 submissions from 2 submitters: Uncertain significance (2). Last evaluated 2024-11-11.

Conditions:
Angelman syndrome (AS). Also called: HAPPY PUPPET SYNDROME. Identifiers: Orphanet 72, MedGen C0162635, MONDO:0007113, OMIM 105830. Disease mechanism: loss of function. Inheritance: imprinting disorder, AS is caused by disruption of maternally imprinted UBE3A located within the 15q11.2-q13 Angelman syndrome/Prader-Willi syndrome (AS/PWS) region..

Allele frequency attached by ClinVar (database versions not stated): gnomAD exomes below 0.00001.
gnomAD v4.1: 1 of 1,614,076 alleles (0.000062%); highest among the groups gnomAD compares: Admixed American, 0.0017%; no homozygotes.

Submissions (2):

Labcorp Genetics (formerly Invitae), Labcorp
Classification: Uncertain significance for Angelman syndrome. Last evaluated: 2024-11-11. Review status: criteria provided, single submitter. Criteria: Invitae Variant Classification Sherloc (09022015). Collection method: clinical testing. Allele origin: germline.
Comment: This sequence change replaces methionine, which is neutral and non-polar, with leucine, which is neutral and non-polar, at codon 802 of the UBE3A protein (p.Met802Leu). This variant is present in population databases (no rsID available, gnomAD 0.003%). This variant has not been reported in the literature in individuals affected with UBE3A-related conditions. ClinVar contains an entry for this variant (Variation ID: 2175282). Invitae Evidence Modeling of protein sequence and biophysical properties (such as structural, functional, and spatial information, amino acid conservation, physicochemical variation, residue mobility, and thermodynamic stability) indicates that this missense variant is not expected to disrupt UBE3A protein function with a negative predictive value of 80%. In summary, the available evidence is currently insufficient to determine the role of this variant in disease. Therefore, it has been classified as a Variant of Uncertain Significance.

Revvity Omics, Revvity
Classification: Uncertain significance for Angelman syndrome. Last evaluated: 2023-08-22. Review status: criteria provided, single submitter. Criteria: ACMG Guidelines, 2015. Collection method: clinical testing. Allele origin: germline.